The following is an entry in ClinVar:

NM_001080517.3(SETD5):c.1959dup (p.Asn654Ter)

Gene: SETD5 (SET domain containing 5; plus strand). Cytogenetic location: 3p25.3.
Variant type: Duplication.
Coding change: c.1959dup on transcript NM_001080517.3 (MANE Select); coding-DNA position 1959, one base duplicated (T; older notation c.1959dupT).
Protein change: p.Asn654Ter; replaces asparagine 654 with a stop codon.
Molecular consequence: nonsense.
Genome position (GRCh38, 1-based): chr3:9,447,862, T duplicated. VCF-style (leftmost placement, unchanged base first): chr3-9447861-G-GT. GRCh37 (hg19) VCF-style: chr3-9489545-G-GT.
Other names: c.1665dup, p.Asn556Ter (NM_001292043.2, NM_001349451.2); short protein forms N556*, N654*.
Identifiers: ClinVar variation 1701449 (VCV001701449.31), dbSNP rs2125280717, ClinGen allele CA2580070673.
Genomic context (GRCh38, chr3:9,447,861, plus strand): 5'-AGAAGCAGGCCAATGCACAGCAGGCAGAATTGTCACAAGCTGCCTTGGAAGAGGGAGGAA[G>GT]TAACAGTTTAGTAACTCCTACTGAAGCTGGAAGTCTAGACAGTTCAGGAGAAAACAGGCC-3'

ClinVar aggregate classification (germline): Pathogenic (1 of 4 stars; one submission).

Submission:

CeGaT Center for Human Genetics Tuebingen
Classification: Pathogenic. Last evaluated: 2022-07-01. Review status: criteria provided, single submitter. Criteria: CeGaT Center For Human Genetics Tuebingen Variant Classification Criteria Version 2. Collection method: clinical testing. Allele origin: germline. Affected: yes. Observed: 1 variant allele.
Comment: SETD5: PVS1, PM2